The following is an entry in ClinVar:

NM_007129.5(ZIC2):c.85_86insGGGGGGGGG (p.Ala28_Ala29insGlyGlyGly)

Gene: ZIC2 (Zic family zinc finger 2; plus strand). Cytogenetic location: 13q32.3.
Variant type: Insertion.
Coding change: c.85_86insGGGGGGGGG on transcript NM_007129.5 (MANE Select); coding-DNA positions 85 to 86, GGGGGGGGG inserted.
Protein change: p.Ala28_Ala29insGlyGlyGly.
Molecular consequence: inframe insertion.
Genome position: GRCh38 VCF-style: chr13-99982147-C-CGGGGGGGGG. GRCh37 (hg19) VCF-style: chr13-100634401-C-CGGGGGGGGG.
Identifiers: ClinVar variation 2230096 (VCV002230096.3), dbSNP rs2501541341, ClinGen allele CA1139655110.
Genomic context (GRCh38, chr13:99,982,147, plus strand): 5'-AGTTCCCGGCCATCGGGGTGGGCAGCTTCGCGCGCCACCATCACCACTCCGCCGCGGCGG[C>CGGGGGGGGG]GGCGGCGGCTGCCGCCGAGATGCAGGACCGTGAACTGAGCCTGGCGGCGGCGCAGAACGG-3'

ClinVar aggregate classification (germline): Uncertain significance. Review status: criteria provided, multiple submitters, no conflicts (2 of 4 stars). 2 submissions from 2 submitters: Uncertain significance (2). Last evaluated 2026-09-03.

Conditions:
Inborn genetic diseases. Identifiers: MedGen C0950123, MeSH D030342.
Fetal anomalies with a likely genetic cause.

Submissions (2):

Genetics Laboratory, Great Ormond Street Hospital NHS Foundation Trust, North Thames Genomic Laboratory Hub
Classification: Uncertain significance for Fetal anomalies with a likely genetic cause. Last evaluated: 2026-09-03. Review status: criteria provided, single submitter. Criteria: ACGS Best Practice Guidelines for Variant Classification in Rare Disease 2024 v1.2. Collection method: clinical testing. Allele origin: germline. Affected: yes.
Comment: PM2_moderate, PM4_moderate

Ambry Genetics
Classification: Uncertain significance for Inborn genetic diseases. Last evaluated: 2021-07-08. Review status: criteria provided, single submitter. Criteria: Ambry Variant Classification Scheme 2023. Collection method: clinical testing. Allele origin: germline.
Comment: The c.85_86insGGGGGGGGG (p.A28_A29insGGG) alteration is located in exon 1 (coding exon 1) of the ZIC2 gene. The alteration consists of an in-frame insertion of 9 nucleotides between nucleotide positions c.85 and c.86, resulting in the insertion of <NA> residues. Based on insufficient or conflicting evidence, the clinical significance of this alteration remains unclear.